The following is an entry in ClinVar:

NM_001127222.2(CACNA1A):c.1182G>A (p.Glu394=)

Gene: CACNA1A (calcium voltage-gated channel subunit alpha1 A; minus strand). Cytogenetic location: 19p13.13.
Variant type: single nucleotide variant.
Coding change: c.1182G>A on transcript NM_001127222.2 (MANE Select); coding-DNA position 1182, G replaced by A.
Protein change: p.Glu394=; no amino-acid change (glutamic acid 394 retained).
Molecular consequence: synonymous variant.
Genome position (GRCh38, 1-based): chr19:13,334,394, C>T on the plus strand (G>A on the coding strand, the complement: CACNA1A is on the minus strand). VCF-style: chr19-13334394-C-T. GRCh37 (hg19) VCF-style: chr19-13445208-C-T.
Other names: p.Glu394=; c.1182G>A, p.Glu394= (NM_000068.4, NM_001127221.2, NM_001174080.2 and 1 more transcripts).
Identifiers: ClinVar variation 93559 (VCV000093559.34), dbSNP rs2248069, ClinGen allele CA147058.

ClinVar aggregate classification (germline): Benign. Review status: criteria provided, multiple submitters, no conflicts (2 of 4 stars). 17 submissions from 14 submitters: Benign (13). 4 of the submissions do not count toward it. Last evaluated 2026-02-04.

Conditions:
Inborn genetic diseases. Identifiers: MedGen C0950123, MeSH D030342.
Spinocerebellar ataxia type 6 (SCA6). Identifiers: Orphanet 98758, MedGen C0752124, MONDO:0008457, OMIM 183086.
Migraine, familial hemiplegic, 1. Also called: MIGRAINE, FAMILIAL HEMIPLEGIC 1, WITH PROGRESSIVE CEREBELLAR ATAXIA. Identifiers: Orphanet 569, MedGen C1832884, MONDO:0020756, OMIM 141500, MONDO:0007714.
Episodic ataxia type 2 (EA2). Also called: EPISODIC ATAXIA, NYSTAGMUS-ASSOCIATED; ACETAZOLAMIDE-RESPONSIVE HEREDITARY PAROXYSMAL CEREBELLAR ATAXIA; ATAXIA, EPISODIC, WITH NYSTAGMUS; ATAXIA, FAMILIAL PAROXYSMAL; CEREBELLAR ATAXIA, PAROXYSMAL, ACETAZOLAMIDE-RESPONSIVE; CEREBELLOPATHY, HEREDITARY PAROXYSMAL. Identifiers: Orphanet 97, MedGen C1720416, MONDO:0007163, OMIM 108500.
Developmental and epileptic encephalopathy, 42 (DEE42A). Also called: Epileptic encephalopathy, early infantile, 42; DEVELOPMENTAL AND EPILEPTIC ENCEPHALOPATHY 42A; EPILEPTIC ENCEPHALOPATHY, EARLY INFANTILE, 42A. Identifiers: MedGen C4310716, MONDO:0014917, OMIM 617106.

Allele frequency attached by ClinVar (database versions not stated): gnomAD 0.64010 and 0.64395; TOPMed 0.64054; 1000 Genomes Project 0.64117; ESP Exome Variant Server 0.64370; 1000 Genomes Project 30x 0.64569; gnomAD exomes 0.68332 and 0.68830; ExAC 0.68568.
gnomAD v4.1: 1,076,886 of 1,585,238 alleles (68%); highest among the groups gnomAD compares: Admixed American, 78%; 368,117 homozygotes.

Submissions (17):

Labcorp Genetics (formerly Invitae), Labcorp
Classification: Benign for Developmental and epileptic encephalopathy, 42; Episodic ataxia type 2. Last evaluated: 2026-02-04. Review status: criteria provided, single submitter. Criteria: Invitae Variant Classification Sherloc (09022015). Collection method: clinical testing. Allele origin: germline.

Blueprint Genetics
Classification: Benign. Last evaluated: 2024-11-28. Review status: criteria provided, single submitter. Criteria: ACMG Guidelines, 2015. Collection method: clinical testing. Allele origin: germline.

Unidad de Genómica Garrahan, Hospital de Pediatría Garrahan
Classification: Benign. Last evaluated: 2024-07-15. Review status: criteria provided, single submitter. Criteria: ACMG Guidelines, 2015. Collection method: clinical testing. Allele origin: germline. Affected: no. Observed: 89 variant alleles.
Comment: This variant is classified as Benign based on local population frequency. This variant was detected in 96% of patients studied in a panel designed for Epileptic and Developmental Encephalopathy and Progressive Myoclonus Epilepsy. Number of patients: 89. Only high quality variants are reported.

Mayo Clinic Laboratories, Mayo Clinic
Classification: Benign. Last evaluated: 2022-03-24. Review status: criteria provided, single submitter. Criteria: ACMG Guidelines, 2015. Collection method: clinical testing. Allele origin: germline. Observed: 1,080 variant alleles.

Genome-Nilou Lab
Classification: Benign for Developmental and epileptic encephalopathy, 42. Last evaluated: 2021-07-14. Review status: criteria provided, single submitter. Criteria: ACMG Guidelines, 2015. Collection method: clinical testing. Allele origin: germline. Affected: no.

Genome-Nilou Lab
Classification: Benign for Episodic ataxia type 2. Last evaluated: 2021-07-14. Review status: criteria provided, single submitter. Criteria: ACMG Guidelines, 2015. Collection method: clinical testing. Allele origin: germline. Affected: no.

Genome-Nilou Lab
Classification: Benign for Migraine, familial hemiplegic, 1. Last evaluated: 2021-07-14. Review status: criteria provided, single submitter. Criteria: ACMG Guidelines, 2015. Collection method: clinical testing. Allele origin: germline. Affected: no.

Genome-Nilou Lab
Classification: Benign for Spinocerebellar ataxia type 6. Last evaluated: 2021-07-14. Review status: criteria provided, single submitter. Criteria: ACMG Guidelines, 2015. Collection method: clinical testing. Allele origin: germline. Affected: no.

Ambry Genetics
Classification: Benign for Inborn genetic diseases. Last evaluated: 2016-01-08. Review status: criteria provided, single submitter. Criteria: Ambry Variant Classification Scheme 2023. Collection method: clinical testing. Allele origin: germline.

GeneDx
Classification: Benign. Last evaluated: 2016-01-07. Review status: criteria provided, single submitter. Criteria: GeneDx Variant Classification (06012015). Collection method: clinical testing. Allele origin: germline. Affected: yes.
Comment: This variant is considered likely benign or benign based on one or more of the following criteria: it is a conservative change, it occurs at a poorly conserved position in the protein, it is predicted to be benign by multiple in silico algorithms, and/or has population frequency not consistent with disease.

Eurofins Ntd Llc (ga)
Classification: Benign. Last evaluated: 2013-05-09. Review status: criteria provided, single submitter. Criteria: EGL Classification Definitions 2015. Collection method: clinical testing. Allele origin: germline. Observed: 3 variant alleles, 3 homozygotes.

Breakthrough Genomics
Classification: Benign. Review status: criteria provided, single submitter. Criteria: ACMG Guidelines, 2015. Collection method: not provided. Allele origin: germline. Inheritance: Autosomal dominant inheritance. Affected: yes.

PreventionGenetics, part of Exact Sciences
Classification: Benign. Review status: criteria provided, single submitter. Criteria: ACMG Guidelines, 2015. Collection method: clinical testing. Allele origin: germline.

Clinical Genetics DNA and cytogenetics Diagnostics Lab, Erasmus MC, Erasmus Medical Center
Classification: Benign. Review status: no assertion criteria provided. Collection method: clinical testing. Allele origin: germline. Affected: yes. Study: VKGL Data-share Consensus. Not counted in ClinVar's aggregate classification.

Diagnostic Laboratory, Department of Genetics, University Medical Center Groningen
Classification: Benign. Review status: no assertion criteria provided. Collection method: clinical testing. Allele origin: germline. Affected: yes. Study: VKGL Data-share Consensus. Not counted in ClinVar's aggregate classification.

Genetic Services Laboratory, University of Chicago
Classification: Likely benign for AllHighlyPenetrant. Review status: no assertion criteria provided. Collection method: clinical testing. Allele origin: germline. Inheritance: Autosomal dominant inheritance. Not counted in ClinVar's aggregate classification.
Comment: Likely benign based on allele frequency in 1000 Genomes Project or ESP global frequency and its presence in a patient with a rare or unrelated disease phenotype. NOT Sanger confirmed.

Joint Genome Diagnostic Labs from Nijmegen and Maastricht, Radboudumc and MUMC+
Classification: Benign. Review status: no assertion criteria provided. Collection method: clinical testing. Allele origin: germline. Affected: yes. Study: VKGL Data-share Consensus. Not counted in ClinVar's aggregate classification.